The following is an entry in ClinVar:

NM_001429.4(EP300):c.3211G>C (p.Glu1071Gln)

Gene: EP300 (EP300 lysine acetyltransferase; plus strand). Cytogenetic location: 22q13.2.
Variant type: single nucleotide variant.
Coding change: c.3211G>C on transcript NM_001429.4 (MANE Select); coding-DNA position 3211, G replaced by C.
Protein change: p.Glu1071Gln; replaces glutamic acid 1071 with glutamine.
Molecular consequence: missense variant.
Genome position (GRCh38, 1-based): chr22:41,155,063, G>C. VCF-style: chr22-41155063-G-C. GRCh37 (hg19) VCF-style: chr22-41551067-G-C.
Other names: c.3133G>C, p.Glu1045Gln (NM_001362843.2); short protein forms E1071Q, E1045Q.
Identifiers: ClinVar variation 4744465 (VCV004744465.1).
Genomic context (GRCh38, chr22:41,155,063, plus strand): 5'-CCAGAAGAACTACGACAGGCACTGATGCCAACTTTGGAGGCACTTTACCGTCAGGATCCA[G>C]AATCCCTTCCCTTTCGTCAACCTGTGGACCCTCAGCTTTTAGGAATCCCTGTAAGTATTT-3'
Protein context (NP_001420.2, residues 1061-1081): TLEALYRQDP[Glu1071Gln]SLPFRQPVDP

ClinVar aggregate classification (germline): Uncertain significance (1 of 4 stars; one submission).

Conditions:
Rubinstein-Taybi syndrome due to EP300 haploinsufficiency. Also called: EP300-Related Rubinstein-Taybi Syndrome; RUBINSTEIN-TAYBI SYNDROME 2. Identifiers: Orphanet 353284, Orphanet 783, MedGen C3150941, MONDO:0013364, OMIM 613684.

Submission:

Labcorp Genetics (formerly Invitae), Labcorp
Classification: Uncertain significance for Rubinstein-Taybi syndrome due to EP300 haploinsufficiency. Last evaluated: 2025-02-26. Review status: criteria provided, single submitter. Criteria: Invitae Variant Classification Sherloc (09022015). Collection method: clinical testing. Allele origin: germline.
Comment: This sequence change replaces glutamic acid, which is acidic and polar, with glutamine, which is neutral and polar, at codon 1071 of the EP300 protein (p.Glu1071Gln). This variant is not present in population databases (gnomAD no frequency). This variant has not been reported in the literature in individuals affected with EP300-related conditions. Invitae Evidence Modeling of protein sequence and biophysical properties (such as structural, functional, and spatial information, amino acid conservation, physicochemical variation, residue mobility, and thermodynamic stability) indicates that this missense variant is expected to disrupt EP300 protein function with a positive predictive value of 80%. In summary, the available evidence is currently insufficient to determine the role of this variant in disease. Therefore, it has been classified as a Variant of Uncertain Significance.